The following is an entry in ClinVar:

NM_002473.6(MYH9):c.19G>T (p.Asp7Tyr)

Gene: MYH9 (myosin heavy chain 9; minus strand). Cytogenetic location: 22q12.3.
Variant type: single nucleotide variant.
Coding change: c.19G>T on transcript NM_002473.6 (MANE Select); coding-DNA position 19, G replaced by T.
Protein change: p.Asp7Tyr; replaces aspartic acid 7 with tyrosine.
Molecular consequence: missense variant.
Genome position (GRCh38, 1-based): chr22:36,349,218, C>A on the plus strand (G>T on the coding strand, the complement: MYH9 is on the minus strand). VCF-style: chr22-36349218-C-A. GRCh37 (hg19) VCF-style: chr22-36745263-C-A.
Other names: short protein forms D7Y.
Identifiers: ClinVar variation 666865 (VCV000666865.16), dbSNP rs762745890, ClinGen allele CA10210740.

ClinVar aggregate classification (germline): Conflicting classifications of pathogenicity. Review status: criteria provided, conflicting classifications (1 of 4 stars). 6 submissions from 6 submitters: Uncertain significance (5); Likely benign (1). Last evaluated 2025-10-23.

Conditions:
Autosomal dominant nonsyndromic hearing loss 17. Also called: Autosomal dominant nonsyndromic deafness 17; Deafness, autosomal dominant 17. Identifiers: Orphanet 90635, MedGen C1863659, MONDO:0011350, OMIM 603622.
Inborn genetic diseases. Identifiers: MedGen C0950123, MeSH D030342.
Macrothrombocytopenia and granulocyte inclusions with or without nephritis or sensorineural hearing loss (MATINS). Also called: MYH9-Related Disease (MYH9-RD); MAY-HEGGLIN ANOMALY; BLEEDING DISORDER, PLATELET-TYPE, 6; SEBASTIAN PLATELET SYNDROME; MACROTHROMBOCYTOPENIA WITH DISPERSED LEUKOCYTIC INCLUSIONS; MACROTHROMBOCYTOPENIA, NEPHRITIS, AND DEAFNESS. Identifiers: Orphanet 182050, MedGen C5200934, MONDO:0015912, OMIM 155100.

Allele frequency attached by ClinVar (database versions not stated): ExAC 0.00001; TOPMed 0.00001.
gnomAD v4.1: 14 of 1,614,042 alleles (0.00087%); highest among the groups gnomAD compares: Admixed American, 0.02%; no homozygotes.

Submissions (6):

Labcorp Genetics (formerly Invitae), Labcorp
Classification: Likely benign. Last evaluated: 2025-10-23. Review status: criteria provided, single submitter. Criteria: Invitae Variant Classification Sherloc (09022015). Collection method: clinical testing. Allele origin: germline.

Ambry Genetics
Classification: Uncertain significance for Inborn genetic diseases. Last evaluated: 2024-11-27. Review status: criteria provided, single submitter. Criteria: Ambry Variant Classification Scheme 2023. Collection method: clinical testing. Allele origin: germline.

Fulgent Genetics
Classification: Uncertain significance for Macrothrombocytopenia and granulocyte inclusions with or without nephritis or sensorineural hearing loss; Autosomal dominant nonsyndromic hearing loss 17. Last evaluated: 2024-03-04. Review status: criteria provided, single submitter. Criteria: ACMG Guidelines, 2015. Collection method: clinical testing. Allele origin: germline.

GeneDx
Classification: Uncertain significance. Last evaluated: 2021-01-12. Review status: criteria provided, single submitter. Criteria: GeneDx Variant Classification Process June 2021. Collection method: clinical testing. Allele origin: germline. Affected: yes.
Comment: In silico analysis supports that this missense variant has a deleterious effect on protein structure/function; Has not been previously published as pathogenic or benign to our knowledge

Laboratory for Molecular Medicine, Mass General Brigham Personalized Medicine
Classification: Uncertain significance. Last evaluated: 2018-11-04. Review status: criteria provided, single submitter. Criteria: LMM Criteria. Collection method: clinical testing. Allele origin: germline. Observed: 1 variant allele.
Comment: The p.Asp7Tyr variant in MYH9 has not been previously reported in individuals wi th hearing loss or MYH9-related disorders, but has been identified in 0.017% (6/ 33578) of Latino chromosomes by gnomAD. Compu tational prediction tools and conservation analysis do not provide strong suppor t for or against an impact to the protein. In summary, the clinical significance of this variant is uncertain. ACMG/AMP Criteria applied: none.

Baylor Genetics
Classification: Uncertain significance for Autosomal dominant nonsyndromic hearing loss 17. Last evaluated: 2018-03-19. Review status: criteria provided, single submitter. Criteria: ACMG Guidelines, 2015. Collection method: clinical testing. Allele origin: maternal. Affected: yes.
Comment: This variant was determined to be of uncertain significance according to ACMG Guidelines, 2015 [PMID:25741868].